The following is an entry in ClinVar:

ClinVar aggregate classification (germline): Likely pathogenic (1 of 4 stars; one submission).

Submission:

Labcorp Genetics (formerly Invitae), Labcorp
Classification: Likely pathogenic. Last evaluated: 2025-11-24. Review status: criteria provided, single submitter. Criteria: Invitae Variant Classification Sherloc (09022015). Collection method: clinical testing. Allele origin: germline.
Comment: This sequence change affects a donor splice site in intron 9 of the TPP1 gene. It is expected to disrupt RNA splicing. Variants that disrupt the donor or acceptor splice site typically lead to a loss of protein function (PMID: 16199547), and loss-of-function variants in TPP1 are known to be pathogenic (PMID: 10330339). This variant is not present in population databases (gnomAD no frequency). Disruption of this splice site has been observed in individual(s) with TPP1-related conditions (PMID: 35614200). ClinVar contains an entry for this variant (Variation ID: 1995058). Algorithms developed to predict the effect of sequence changes on RNA splicing suggest that this variant may disrupt the consensus splice site. In summary, the currently available evidence indicates that the variant is pathogenic, but additional data are needed to prove that conclusively. Therefore, this variant has been classified as Likely Pathogenic.

Literature cited by the submitters: PubMed 16199547; PubMed 10330339; PubMed 35614200.

NM_000391.4(TPP1):c.1145+2T>C

Gene: TPP1 (tripeptidyl peptidase 1; minus strand). Cytogenetic location: 11p15.4.
Variant type: single nucleotide variant.
Coding change: c.1145+2T>C on transcript NM_000391.4 (MANE Select); the canonical splice donor site of the intron after coding-DNA position 1145, T replaced by C.
Molecular consequence: splice donor variant.
Genome position (GRCh38, 1-based): chr11:6,616,003, A>G on the plus strand (T>C on the coding strand, the complement: TPP1 is on the minus strand). VCF-style: chr11-6616003-A-G. GRCh37 (hg19) VCF-style: chr11-6637234-A-G.
Identifiers: ClinVar variation 1995058 (VCV001995058.4), dbSNP rs2493797587, ClinGen allele CA379473625.
Genomic context (GRCh38, chr11:6,616,003, plus strand): 5'-ACATCATGAGATCACAAGTGAAAGGTGGTGGTTATACCTGAGTGGTAGGCTAGAGTACTT[A>G]CCTGGAGGCAGGGAAGGTAGGGCGGAACTGGTGTCTTCCAGAGACAGACCAACACCCGGC-3'